The following is an entry in ClinVar:

NM_001024630.4(RUNX2):c.*2612C>G

Gene: RUNX2 (RUNX family transcription factor 2; plus strand). Cytogenetic location: 6p21.1.
Variant type: single nucleotide variant.
Coding change: c.*2612C>G on transcript NM_001024630.4 (MANE Select); 2612 bases downstream of the stop codon, C replaced by G.
Molecular consequence: 3 prime UTR variant.
Genome position (GRCh38, 1-based): chr6:45,549,917, C>G. VCF-style: chr6-45549917-C-G. GRCh37 (hg19) VCF-style: chr6-45517654-C-G.
Other names: c.*2612C>G (NM_001015051.4, NM_001278478.2, NM_001369405.1).
Identifiers: ClinVar variation 357128 (VCV000357128.5), dbSNP rs539989584, ClinGen allele CA10624183.

ClinVar aggregate classification (germline): Benign (1 of 4 stars; one submission).

Conditions:
Cleidocranial dysostosis (CLCD1). Also called: cleidocranial dysplasia 1; Marie-Sainton disease; Cleidocranial Dysplasia Spectrum Disorder. Identifiers: Orphanet 1452, MedGen C0008928, MONDO:0007340, OMIM 119600.

Allele frequency attached by ClinVar (database versions not stated): gnomAD 0.00021 and 0.00038; TOPMed 0.00025; 1000 Genomes Project 30x 0.00062; 1000 Genomes Project 0.00080.

Submission:

Illumina Laboratory Services, Illumina
Classification: Benign for Cleidocranial dysostosis. Last evaluated: 2018-01-13. Review status: criteria provided, single submitter. Criteria: ICSL Variant Classification Criteria 13 December 2019. Collection method: clinical testing. Allele origin: germline.
Comment: This variant was observed in the ICSL laboratory as part of a predisposition screen in an ostensibly healthy population. It had not been previously curated by ICSL or reported in the Human Gene Mutation Database (HGMD: prior to June 1st, 2018), and was therefore a candidate for classification through an automated scoring system. Utilizing variant allele frequency, disease prevalence and penetrance estimates, and inheritance mode, an automated score was calculated to assess if this variant is too frequent to cause the disease. Based on the score and internal cut-off values, a variant classified as benign is not then subjected to further curation. The score for this variant resulted in a classification of benign for this disease.